The following is an entry in ClinVar:

NM_017636.4(TRPM4):c.3427A>G (p.Ser1143Gly)

Gene: TRPM4 (transient receptor potential cation channel subfamily M member 4; plus strand). Cytogenetic location: 19q13.33.
Variant type: single nucleotide variant.
Coding change: c.3427A>G on transcript NM_017636.4 (MANE Select); coding-DNA position 3427, A replaced by G.
Protein change: p.Ser1143Gly; replaces serine 1143 with glycine.
Molecular consequence: missense variant.
Genome position (GRCh38, 1-based): chr19:49,210,808, A>G. VCF-style: chr19-49210808-A-G. GRCh37 (hg19) VCF-style: chr19-49714065-A-G.
Other names: c.2992A>G, p.Ser998Gly (NM_001195227.2); c.3082A>G, p.Ser1028Gly (NM_001321281.2); c.1819A>G, p.Ser607Gly (NM_001321282.2); c.2905A>G, p.Ser969Gly (NM_001321283.2); c.2365A>G, p.Ser789Gly (NM_001321285.2); short protein forms S1143G, S1028G, S998G, S607G, S789G, S969G.
Identifiers: ClinVar variation 415727 (VCV000415727.21), dbSNP rs138603244, ClinGen allele CA9569899.

ClinVar aggregate classification (germline): Benign/Likely benign. Review status: criteria provided, multiple submitters, no conflicts (2 of 4 stars). 5 submissions from 5 submitters: Benign (2); Likely benign (3). Last evaluated 2026-01-26.

Conditions:
Cardiovascular phenotype. Identifiers: MedGen CN230736.
Progressive familial heart block type IB (PFHB1B). Identifiers: Orphanet 871, MedGen C1970298, MONDO:0011474, OMIM 604559.

Allele frequency attached by ClinVar (database versions not stated): gnomAD exomes 0.00017 and 0.00055; ExAC 0.00087; gnomAD 0.00186 and 0.00198; TOPMed 0.00216; ESP Exome Variant Server 0.00231; 1000 Genomes Project 0.00319; 1000 Genomes Project 30x 0.00359.
gnomAD v4.1: 544 of 1,613,198 alleles (0.034%); highest among the groups gnomAD compares: African/African-American, 0.65%; 2 homozygotes.

Submissions (5):

Labcorp Genetics (formerly Invitae), Labcorp
Classification: Benign for Progressive familial heart block type IB. Last evaluated: 2026-01-26. Review status: criteria provided, single submitter. Criteria: Invitae Variant Classification Sherloc (09022015). Collection method: clinical testing. Allele origin: germline.

Blueprint Genetics
Classification: Likely benign. Last evaluated: 2024-11-26. Review status: criteria provided, single submitter. Criteria: ACMG Guidelines, 2015. Collection method: clinical testing. Allele origin: germline.

GeneDx
Classification: Likely benign. Last evaluated: 2020-11-10. Review status: criteria provided, single submitter. Criteria: GeneDx Variant Classification Process June 2021. Collection method: clinical testing. Allele origin: germline. Affected: yes.
Comment: This variant is associated with the following publications: (PMID: 31195250)

Illumina Laboratory Services, Illumina
Classification: Likely benign for Progressive familial heart block type IB. Last evaluated: 2018-01-12. Review status: criteria provided, single submitter. Criteria: ICSL Variant Classification Criteria 13 December 2019. Collection method: clinical testing. Allele origin: germline.
Comment: This variant was observed in the ICSL laboratory as part of a predisposition screen in an ostensibly healthy population. It had not been previously curated by ICSL or reported in the Human Gene Mutation Database (HGMD: prior to June 1st, 2018), and was therefore a candidate for classification through an automated scoring system. Utilizing variant allele frequency, disease prevalence and penetrance estimates, and inheritance mode, an automated score was calculated to assess if this variant is too frequent to cause the disease. Based on the score and internal cut-off values, a variant classified as likely benign is not then subjected to further curation. The score for this variant resulted in a classification of likely benign for this disease.

Ambry Genetics
Classification: Benign for Cardiovascular phenotype. Last evaluated: 2016-11-09. Review status: criteria provided, single submitter. Criteria: Ambry Variant Classification Scheme 2023. Collection method: clinical testing. Allele origin: germline.